The following is an entry in ClinVar:

ClinVar aggregate classification (germline): Conflicting classifications of pathogenicity. Review status: criteria provided, conflicting classifications (1 of 4 stars). 4 submissions from 4 submitters: Uncertain significance (1); Likely benign (3). Last evaluated 2025-04-09.

Conditions:
Autosomal recessive limb-girdle muscular dystrophy type 2J (LGMDR10). Also called: MUSCULAR DYSTROPHY, LIMB-GIRDLE, AUTOSOMAL RECESSIVE 10; Limb-girdle muscular dystrophy, type 2J. Identifiers: Orphanet 140922, MedGen C1837342, MONDO:0012127, OMIM 608807.
Dilated cardiomyopathy 1G (CMD1G). Identifiers: Orphanet 154, MedGen C1858763, MONDO:0011400, OMIM 604145.

gnomAD v4.1: 1 of 1,588,208 alleles (0.000063%); highest among the groups gnomAD compares: Non-Finnish European, 0.000086%; no homozygotes.

Submissions (4):

Molecular Diagnostic Laboratory for Inherited Cardiovascular Disease, Montreal Heart Institute
Classification: Likely benign. Last evaluated: 2025-04-09. Review status: criteria provided, single submitter. Criteria: ACMG Guidelines, 2015. Collection method: clinical testing. Allele origin: germline. Affected: no.

Labcorp Genetics (formerly Invitae), Labcorp
Classification: Likely benign for Dilated cardiomyopathy 1G; Autosomal recessive limb-girdle muscular dystrophy type 2J. Last evaluated: 2024-04-05. Review status: criteria provided, single submitter. Criteria: Invitae Variant Classification Sherloc (09022015). Collection method: clinical testing. Allele origin: germline.

GeneDx
Classification: Likely benign. Last evaluated: 2017-08-08. Review status: criteria provided, single submitter. Criteria: GeneDx Variant Classification (06012015). Collection method: clinical testing. Allele origin: germline. Affected: yes.
Comment: This variant is considered likely benign or benign based on one or more of the following criteria: it is a conservative change, it occurs at a poorly conserved position in the protein, it is predicted to be benign by multiple in silico algorithms, and/or has population frequency not consistent with disease.

Eurofins Ntd Llc (ga)
Classification: Uncertain significance. Last evaluated: 2017-02-28. Review status: criteria provided, single submitter. Criteria: EGL Classification Definitions 2015. Collection method: clinical testing. Allele origin: germline. Observed: 1 variant allele, 1 heterozygote.

NM_001267550.2(TTN):c.91884A>G (p.Arg30628=)

Genes: TTN-AS1 (TTN antisense RNA 1; plus strand), TTN (titin; minus strand). Cytogenetic location: 2q31.2.
Variant type: single nucleotide variant.
Coding change: c.91884A>G on transcript NM_001267550.2 (MANE Select); coding-DNA position 91884, A replaced by G.
Protein change: p.Arg30628=; no amino-acid change (arginine 30628 retained).
Molecular consequence: synonymous variant.
Genome position (GRCh38, 1-based): chr2:178,549,838, T>C on the plus strand (A>G on the coding strand, the complement: TTN is on the minus strand). VCF-style: chr2-178549838-T-C. GRCh37 (hg19) VCF-style: chr2-179414565-T-C.
Other names: c.86961A>G, p.Arg28987= (NM_001256850.1); c.64689A>G, p.Arg21563= (NM_003319.4); c.84180A>G, p.Arg28060= (NM_133378.4); c.65064A>G, p.Arg21688= (NM_133432.3); c.65265A>G, p.Arg21755= (NM_133437.4).
Identifiers: ClinVar variation 500662 (VCV000500662.8), dbSNP rs144922355, ClinGen allele CA1987539.